The following is an entry in ClinVar:

NM_020964.3(EPG5):c.6535G>A (p.Ala2179Thr)

Gene: EPG5 (ectopic P-granules 5 autophagy tethering factor; minus strand). Cytogenetic location: 18q12.3.
Variant type: single nucleotide variant.
Coding change: c.6535G>A on transcript NM_020964.3 (MANE Select); coding-DNA position 6535, G replaced by A.
Protein change: p.Ala2179Thr; replaces alanine 2179 with threonine.
Molecular consequence: missense variant.
Genome position (GRCh38, 1-based): chr18:45,866,884, C>T on the plus strand (G>A on the coding strand, the complement: EPG5 is on the minus strand). VCF-style: chr18-45866884-C-T. GRCh37 (hg19) VCF-style: chr18-43446849-C-T.
Other names: c.6535G>A, p.Ala2179Thr (LRG_1234t1); short protein forms A2179T.
Identifiers: ClinVar variation 580569 (VCV000580569.9), dbSNP rs1245545639, ClinGen allele CA402339165.
Genomic context (GRCh38, chr18:45,866,884, plus strand): 5'-TAGAAAGGCCCGCAGACACTTTTAGGAGCTTCATGATTAATTCAGCATAAGATTCTTTTG[C>T]CAGGATGATGGACGGCGGGTAATGGCTGCTGAAATAACTTAGCACACTCTGGTACGACAC-3'
Protein context (NP_066015.2, residues 2169-2189): SSHYPPSIIL[Ala2179Thr]KESYAELIMK

ClinVar aggregate classification (germline): Uncertain significance (1 of 4 stars; one submission).

Conditions:
Vici syndrome (VICIS). Identifiers: Orphanet 1493, MedGen C1855772, MONDO:0009452, OMIM 242840.

Allele frequency attached by ClinVar (database versions not stated): gnomAD 0.00001; TOPMed 0.00001.
gnomAD v4.1: 1 of 1,614,020 alleles (0.000062%); highest among the groups gnomAD compares: African/African-American, 0.0013%; no homozygotes.

Submission:

Labcorp Genetics (formerly Invitae), Labcorp
Classification: Uncertain significance for Vici syndrome. Last evaluated: 2018-05-30. Review status: criteria provided, single submitter. Criteria: Invitae Variant Classification Sherloc (09022015). Collection method: clinical testing. Allele origin: germline.
Comment: This sequence change replaces alanine with threonine at codon 2179 of the EPG5 protein (p.Ala2179Thr). The alanine residue is moderately conserved and there is a small physicochemical difference between alanine and threonine. This variant is not present in population databases (ExAC no frequency). This variant has not been reported in the literature in individuals with EPG5-related disease. Algorithms developed to predict the effect of missense changes on protein structure and function are either unavailable or do not agree on the potential impact of this missense change (SIFT: "Tolerated"; PolyPhen-2: "Probably Damaging"; Align-GVGD: "Class C0"). In summary, the available evidence is currently insufficient to determine the role of this variant in disease. Therefore, it has been classified as a Variant of Uncertain Significance.